The following is an entry in ClinVar:

ClinVar aggregate classification (germline): Uncertain significance (1 of 4 stars; one submission).

Allele frequency attached by ClinVar (database versions not stated): gnomAD exomes below 0.00001; ExAC 0.00001.

Submission:

Labcorp Genetics (formerly Invitae), Labcorp
Classification: Uncertain significance. Last evaluated: 2022-11-01. Review status: criteria provided, single submitter. Criteria: Invitae Variant Classification Sherloc (09022015). Collection method: clinical testing. Allele origin: germline.
Comment: In summary, the available evidence is currently insufficient to determine the role of this variant in disease. Therefore, it has been classified as a Variant of Uncertain Significance. This sequence change replaces alanine, which is neutral and non-polar, with threonine, which is neutral and polar, at codon 2194 of the CEP250 protein (p.Ala2194Thr). This variant is present in population databases (rs750513127, gnomAD 0.0009%). This variant has not been reported in the literature in individuals affected with CEP250-related conditions. ClinVar contains an entry for this variant (Variation ID: 1508354). Algorithms developed to predict the effect of missense changes on protein structure and function output the following: SIFT: "Not Available"; PolyPhen-2: "Benign"; Align-GVGD: "Not Available". The threonine amino acid residue is found in multiple mammalian species, which suggests that this missense change does not adversely affect protein function.

NM_007186.6(CEP250):c.6580G>A (p.Ala2194Thr)

Gene: CEP250 (centrosomal protein 250; plus strand). Cytogenetic location: 20q11.22.
Variant type: single nucleotide variant.
Coding change: c.6580G>A on transcript NM_007186.6 (MANE Select); coding-DNA position 6580, G replaced by A.
Protein change: p.Ala2194Thr; replaces alanine 2194 with threonine.
Molecular consequence: missense variant.
Genome position (GRCh38, 1-based): chr20:35,504,949, G>A. VCF-style: chr20-35504949-G-A. GRCh37 (hg19) VCF-style: chr20-34092777-G-A.
Other names: c.4684G>A, p.Ala1562Thr (NM_001318219.1); short protein forms A2194T, A1562T.
Identifiers: ClinVar variation 1508354 (VCV001508354.6), dbSNP rs750513127, ClinGen allele CA9834095.